The following is an entry in ClinVar:

NM_000152.5(GAA):c.855C>G (p.Pro285=)

Gene: GAA (alpha glucosidase; plus strand). Cytogenetic location: 17q25.3.
Variant type: single nucleotide variant.
Coding change: c.855C>G on transcript NM_000152.5 (MANE Select); coding-DNA position 855, C replaced by G.
Protein change: p.Pro285=; no amino-acid change (proline 285 retained).
Molecular consequence: synonymous variant.
Genome position (GRCh38, 1-based): chr17:80,107,719, C>G. VCF-style: chr17-80107719-C-G. GRCh37 (hg19) VCF-style: chr17-78081518-C-G.
Other names: c.855C>G, p.Pro285= (NM_001079803.3, NM_001079804.3, NM_001406741.1 and 1 more transcripts).
Identifiers: ClinVar variation 4261017 (VCV004261017.2).

ClinVar aggregate classification (germline): Likely benign. Review status: criteria provided, multiple submitters, no conflicts (2 of 4 stars). 2 submissions from 2 submitters: Likely benign (2). Last evaluated 2026-07-01.

Conditions:
Glycogen storage disease, type II (IOPD). Also called: CARDIOMEGALIA GLYCOGENICA DIFFUSA; GLYCOGENOSIS, GENERALIZED, CARDIAC FORM; GSD II; Glycogen storage disease type 2; Acid maltase deficiency disease; Aglucosidase alfa. Identifiers: Orphanet 365, MedGen C0017921, MONDO:0009290, OMIM 232300.
Cardiovascular phenotype. Identifiers: MedGen CN230736.

Submissions (2):

Genomenon, Inc
Classification: Likely benign for Glycogen storage disease, type II. Last evaluated: 2026-07-01. Review status: criteria provided, single submitter. Criteria: Genomenon Sequence Variant Interpretation Standards - Updated. Collection method: curation. Allele origin: germline. Affected: no.
Comment: GAA c.855C>G is a synonymous variant that retains Proline at codon 285. This variant has been reported in the published literature (PMID:29149851). It is absent or not present at a significant frequency in gnomAD. This variant is not predicted to impact splicing. In conclusion, we classify GAA c.855C>G (p.Pro285=) as a likely benign variant.

Ambry Genetics
Classification: Likely benign for Cardiovascular phenotype. Last evaluated: 2025-08-19. Review status: criteria provided, single submitter. Criteria: Ambry Variant Classification Scheme 2023. Collection method: clinical testing. Allele origin: germline.

Literature cited by the submitters: PubMed 29149851 (cited by Genomenon, Inc).